The following is an entry in ClinVar:

NM_144672.4(OTOA):c.1337A>G (p.Asn446Ser)

Gene: OTOA (otoancorin). Cytogenetic location: 16p12.2.
Variant type: single nucleotide variant.
Coding change: c.1337A>G on transcript NM_144672.4 (MANE Select); coding-DNA position 1337, A replaced by G.
Protein change: p.Asn446Ser; replaces asparagine 446 with serine.
Molecular consequence: missense variant.
Genome position (GRCh38, 1-based): chr16:21,715,001, A>G. VCF-style: chr16-21715001-A-G. GRCh37 (hg19) VCF-style: chr16-21726322-A-G.
Other names: c.1100A>G, p.Asn367Ser (NM_001161683.2); c.365A>G, p.Asn122Ser (NM_170664.3); short protein forms N122S, N367S, N446S.
Identifiers: ClinVar variation 2040684 (VCV002040684.5), dbSNP rs369648790, ClinGen allele CA7952607.

ClinVar aggregate classification (germline): Uncertain significance. Review status: criteria provided, multiple submitters, no conflicts (2 of 4 stars). 4 submissions from 4 submitters: Uncertain significance (4). Last evaluated 2025-03-05.

Conditions:
Inborn genetic diseases. Identifiers: MedGen C0950123, MeSH D030342.

Allele frequency attached by ClinVar (database versions not stated): ExAC 0.00008; ESP Exome Variant Server 0.00008; gnomAD 0.00009; TOPMed 0.00014; gnomAD exomes 0.00019.

Submissions (4):

Ambry Genetics
Classification: Uncertain significance for Inborn genetic diseases. Last evaluated: 2025-03-05. Review status: criteria provided, single submitter. Criteria: Ambry Variant Classification Scheme 2023. Collection method: clinical testing. Allele origin: germline.

Blueprint Genetics
Classification: Uncertain significance. Last evaluated: 2024-11-01. Review status: criteria provided, single submitter. Criteria: ACMG Guidelines, 2015. Collection method: clinical testing. Allele origin: germline.

GeneDx
Classification: Uncertain significance. Last evaluated: 2024-03-15. Review status: criteria provided, single submitter. Criteria: GeneDx Variant Classification Process June 2021. Collection method: clinical testing. Allele origin: germline. Affected: yes.
Comment: In silico analysis supports that this missense variant does not alter protein structure/function; In silico analysis suggests this variant may impact gene splicing. In the absence of RNA/functional studies, the actual effect of this sequence change is unknown.; Has not been previously published as pathogenic or benign to our knowledge

Labcorp Genetics (formerly Invitae), Labcorp
Classification: Uncertain significance. Last evaluated: 2021-12-17. Review status: criteria provided, single submitter. Criteria: Invitae Variant Classification Sherloc (09022015). Collection method: clinical testing. Allele origin: germline.
Comment: This sequence change replaces asparagine, which is neutral and polar, with serine, which is neutral and polar, at codon 446 of the OTOA protein (p.Asn446Ser). This variant is present in population databases (rs369648790, gnomAD 0.02%). This variant has not been reported in the literature in individuals affected with OTOA-related conditions. Algorithms developed to predict the effect of missense changes on protein structure and function output the following: SIFT: "Tolerated"; PolyPhen-2: "Benign"; Align-GVGD: "Class C0". The serine amino acid residue is found in multiple mammalian species, which suggests that this missense change does not adversely affect protein function. Algorithms developed to predict the effect of sequence changes on RNA splicing suggest that this variant may create or strengthen a splice site. In summary, the available evidence is currently insufficient to determine the role of this variant in disease. Therefore, it has been classified as a Variant of Uncertain Significance.